The following is an entry in ClinVar:

NM_006514.4(SCN10A):c.795_800del (p.Gln266_Leu267del)

Gene: SCN10A (sodium voltage-gated channel alpha subunit 10; minus strand). Cytogenetic location: 3p22.2.
Variant type: Deletion.
Coding change: c.795_800del on transcript NM_006514.4 (MANE Select); coding-DNA positions 795 to 800, 6 bases deleted (GCAACT; older notation c.795_800delGCAACT).
Protein change: p.Gln266_Leu267del.
Molecular consequence: inframe deletion.
Genome position (GRCh38, 1-based): chr3:38,761,275-38,761,280, AGTTGC deleted on the plus strand (GCAACT on the coding strand, the reverse complement: SCN10A is on the minus strand); deleting any 6 consecutive bases within chr3:38,761,275-38,761,282 gives the same sequence; the c. name uses the placement nearest the transcript's 3' end. VCF-style (leftmost placement, unchanged base first): chr3-38761274-GAGTTGC-G. GRCh37 (hg19) VCF-style: chr3-38802765-GAGTTGC-G.
Other names: c.795_800del, p.Gln266_Leu267del (NM_001293306.2, NM_001293307.2).
Identifiers: ClinVar variation 1896939 (VCV001896939.5), dbSNP rs758127073, ClinGen allele CA2321075.

ClinVar aggregate classification (germline): Uncertain significance (1 of 4 stars; one submission).

Conditions:
Brugada syndrome. Also called: Sudden unexpected nocturnal death syndrome; Sudden Unexplained Death Syndrome; Sudden Unexplained Nocturnal Death Syndrome (SUNDS); Sudden unexplained nocturnal death syndrome. Identifiers: Orphanet 130, MedGen C1142166, MONDO:0015263.

Submission:

Labcorp Genetics (formerly Invitae), Labcorp
Classification: Uncertain significance for Brugada syndrome. Last evaluated: 2024-12-10. Review status: criteria provided, single submitter. Criteria: Invitae Variant Classification Sherloc (09022015). Collection method: clinical testing. Allele origin: germline.
Comment: This variant, c.795_800del, results in the deletion of 2 amino acid(s) of the SCN10A protein (p.Gln266_Leu267del), but otherwise preserves the integrity of the reading frame. The frequency data for this variant in the population databases is considered unreliable, as metrics indicate poor data quality at this position in the gnomAD database. This variant has not been reported in the literature in individuals affected with SCN10A-related conditions. ClinVar contains an entry for this variant (Variation ID: 1896939). Experimental studies and prediction algorithms are not available or were not evaluated, and the functional significance of this variant is currently unknown. In summary, the available evidence is currently insufficient to determine the role of this variant in disease. Therefore, it has been classified as a Variant of Uncertain Significance.